The following is an entry in ClinVar:

NM_006231.4(POLE):c.876G>T (p.Gln292His)

Gene: POLE (DNA polymerase epsilon, catalytic subunit; minus strand). Cytogenetic location: 12q24.33.
Variant type: single nucleotide variant.
Coding change: c.876G>T on transcript NM_006231.4 (MANE Select); coding-DNA position 876, G replaced by T.
Protein change: p.Gln292His; replaces glutamine 292 with histidine.
Molecular consequence: missense variant.
Genome position (GRCh38, 1-based): chr12:132,676,579, C>A on the plus strand (G>T on the coding strand, the complement: POLE is on the minus strand). VCF-style: chr12-132676579-C-A. GRCh37 (hg19) VCF-style: chr12-133253165-C-A.
Other names: short protein forms Q292H.
Identifiers: ClinVar variation 650155 (VCV000650155.22), dbSNP rs1324298673, ClinGen allele CA387364234.
Genomic context (GRCh38, chr12:132,676,579, plus strand): 5'-CTTACTTCCCAGAAGCCACCTGCTCACCTGGCCATCGATCATGTAGGAAATCATCATAAT[C>A]TGGTCTGTCTCAGCATCAGGAAACTTGAGGGGCAGTTTGGTCGTCTCAATGTCAAATGCC-3'
Protein context (NP_006222.2, residues 282-302): PLKFPDAETD[Gln292His]IMMISYMIDG

ClinVar aggregate classification (germline): Uncertain significance. Review status: criteria provided, multiple submitters, no conflicts (2 of 4 stars). 5 submissions from 5 submitters: Uncertain significance (5). Last evaluated 2025-11-12.

Conditions:
Hereditary cancer-predisposing syndrome. Also called: Neoplastic Syndromes, Hereditary; Tumor predisposition; Hereditary Cancer Syndrome; Hereditary neoplastic syndrome. Identifiers: Orphanet 140162, MedGen C0027672, MeSH D009386, MONDO:0015356.
Colorectal cancer, susceptibility to, 12 (CRCS12). Also called: COLORECTAL CANCER, SUSCEPTIBILITY TO, ON CHROMOSOME 12q24. Identifiers: Orphanet 220460, MedGen C3554460, MONDO:0014038, OMIM 615083.

Allele frequency attached by ClinVar (database versions not stated): gnomAD exomes below 0.00001; gnomAD 0.00002; TOPMed 0.00003.
gnomAD v4.1: 8 of 1,613,818 alleles (0.0005%); highest among the groups gnomAD compares: Admixed American, 0.0067%; no homozygotes.

Submissions (5):

Labcorp Genetics (formerly Invitae), Labcorp
Classification: Uncertain significance. Last evaluated: 2025-11-12. Review status: criteria provided, single submitter. Criteria: Invitae Variant Classification Sherloc (09022015). Collection method: clinical testing. Allele origin: germline.
Comment: This sequence change replaces glutamine, which is neutral and polar, with histidine, which is basic and polar, at codon 292 of the POLE protein (p.Gln292His). This variant is present in population databases (no rsID available, gnomAD 0.006%). This variant has not been reported in the literature in individuals affected with POLE-related conditions. ClinVar contains an entry for this variant (Variation ID: 650155). Invitae Evidence Modeling of protein sequence and biophysical properties (such as structural, functional, and spatial information, amino acid conservation, physicochemical variation, residue mobility, and thermodynamic stability) indicates that this missense variant is not expected to disrupt POLE protein function with a negative predictive value of 80%. In summary, the available evidence is currently insufficient to determine the role of this variant in disease. Therefore, it has been classified as a Variant of Uncertain Significance.

Ambry Genetics
Classification: Uncertain significance for Hereditary cancer-predisposing syndrome. Last evaluated: 2025-03-07. Review status: criteria provided, single submitter. Criteria: Ambry Variant Classification Scheme 2023. Collection method: clinical testing. Allele origin: germline.
Comment: The p.Q292H variant (also known as c.876G>T), located in coding exon 9 of the POLE gene, results from a G to T substitution at nucleotide position 876. The glutamine at codon 292 is replaced by histidine, an amino acid with highly similar properties. This amino acid position is highly conserved in available vertebrate species. In addition, the in silico prediction for this alteration is inconclusive. Based on the available evidence, the clinical significance of this variant remains unclear.

Baylor Genetics
Classification: Uncertain significance for Colorectal cancer, susceptibility to, 12. Last evaluated: 2024-01-27. Review status: criteria provided, single submitter. Criteria: ACMG Guidelines, 2015. Collection method: clinical testing. Allele origin: unknown.

GeneDx
Classification: Uncertain significance. Last evaluated: 2023-08-15. Review status: criteria provided, single submitter. Criteria: GeneDx Variant Classification Process June 2021. Collection method: clinical testing. Allele origin: germline. Affected: yes.
Comment: Not observed at significant frequency in large population cohorts (gnomAD); In silico analysis supports that this missense variant has a deleterious effect on protein structure/function; Has not been previously published as pathogenic or benign to our knowledge; This variant is associated with the following publications: (PMID: 36069807, 20951805)

Quest Diagnostics Nichols Institute San Juan Capistrano
Classification: Uncertain significance. Last evaluated: 2023-01-03. Review status: criteria provided, single submitter. Criteria: Quest Diagnostics criteria. Collection method: clinical testing. Allele origin: unknown.
Comment: The variant has not been reported in the published literature. The frequency of this variant in the general population, 0.0000071 (2/282848 chromosomes), is uninformative in assessment of its pathogenicity. Analysis of this variant using bioinformatics tools for the prediction of the effect of amino acid changes on protein structure and function yielded conflicting predictions that this variant is benign or damaging. Based on the available information, we are unable to determine the clinical significance of this variant.